The following is an entry in ClinVar:

NM_001035.3(RYR2):c.9378C>T (p.Val3126=)

Gene: RYR2 (ryanodine receptor 2; plus strand). Cytogenetic location: 1q43.
Variant type: single nucleotide variant.
Coding change: c.9378C>T on transcript NM_001035.3 (MANE Select); coding-DNA position 9378, C replaced by T.
Protein change: p.Val3126=; no amino-acid change (valine 3126 retained).
Molecular consequence: synonymous variant.
Genome position (GRCh38, 1-based): chr1:237,701,988, C>T. VCF-style: chr1-237701988-C-T. GRCh37 (hg19) VCF-style: chr1-237865288-C-T.
Identifiers: ClinVar variation 4721029 (VCV004721029.1).

ClinVar aggregate classification (germline): Uncertain significance (1 of 4 stars; one submission).

Conditions:
Catecholaminergic polymorphic ventricular tachycardia 1. Also called: RYR2-Related Catecholaminergic Polymorphic Ventricular Tachycardia; VENTRICULAR TACHYCARDIA, STRESS-INDUCED POLYMORPHIC 1; VENTRICULAR TACHYCARDIA, CATECHOLAMINERGIC POLYMORPHIC, 1, WITH OR WITHOUT ATRIAL DYSFUNCTION AND/OR DILATED CARDIOMYOPATHY. Identifiers: Orphanet 3286, MedGen C1631597, MONDO:0011484, OMIM 604772.

Submission:

Labcorp Genetics (formerly Invitae), Labcorp
Classification: Uncertain significance for Catecholaminergic polymorphic ventricular tachycardia 1. Last evaluated: 2025-06-09. Review status: criteria provided, single submitter. Criteria: Invitae Variant Classification Sherloc (09022015). Collection method: clinical testing. Allele origin: germline.
Comment: This sequence change affects codon 3126 of the RYR2 mRNA. It is a 'silent' change, meaning that it does not change the encoded amino acid sequence of the RYR2 protein. This variant is not present in population databases (gnomAD no frequency). This variant has not been reported in the literature in individuals affected with RYR2-related conditions. Algorithms developed to predict the effect of sequence changes on RNA splicing suggest that this variant may disrupt the consensus splice site. In summary, the available evidence is currently insufficient to determine the role of this variant in disease. Therefore, it has been classified as a Variant of Uncertain Significance.